The following is an entry in ClinVar:

NM_000551.4(VHL):c.235C>G (p.Arg79Gly)

Gene: VHL (von Hippel-Lindau tumor suppressor; plus strand). Cytogenetic location: 3p25.3.
Variant type: single nucleotide variant.
Coding change: c.235C>G on transcript NM_000551.4 (MANE Select); coding-DNA position 235, C replaced by G.
Protein change: p.Arg79Gly; replaces arginine 79 with glycine.
Molecular consequence: missense variant.
Genome position (GRCh38, 1-based): chr3:10,142,082, C>G. VCF-style: chr3-10142082-C-G. GRCh37 (hg19) VCF-style: chr3-10183766-C-G.
Other names: c.235C>G, p.Arg79Gly (NM_001354723.2, NM_198156.3); short protein forms R79G.
Identifiers: ClinVar variation 411988 (VCV000411988.12), dbSNP rs200885420, ClinGen allele CA16611065.
Genomic context (GRCh38, chr3:10,142,082, plus strand): 5'-CCGCGGCCCGTGCTGCGCTCGGTGAACTCGCGCGAGCCCTCCCAGGTCATCTTCTGCAAT[C>G]GCAGTCCGCGCGTCGTGCTGCCCGTATGGCTCAACTTCGACGGCGAGCCGCAGCCCTACC-3'
Protein context (NP_000542.1, residues 69-89): REPSQVIFCN[Arg79Gly]SPRVVLPVWL

ClinVar aggregate classification (germline): Conflicting classifications of pathogenicity. Review status: criteria provided, conflicting classifications (1 of 4 stars). 4 submissions from 4 submitters: Pathogenic (1); Likely pathogenic (1); Uncertain significance (2). Last evaluated 2025-03-26.

Conditions:
Von Hippel-Lindau syndrome (VHLS). Also called: Von Hippel-Lindau; VHL syndrome; von Hippel–Lindau syndrome. Identifiers: Orphanet 892, MedGen C0019562, MONDO:0008667, OMIM 193300. Disease mechanism: loss of function.
Chuvash polycythemia. Also called: POLYCYTHEMIA, VHL-DEPENDENT. Identifiers: Orphanet 238557, MedGen C1837915, MONDO:0009892, OMIM 263400.
Hereditary cancer-predisposing syndrome. Also called: Hereditary neoplastic syndrome; Neoplastic Syndromes, Hereditary; Tumor predisposition; Hereditary Cancer Syndrome. Identifiers: Orphanet 140162, MedGen C0027672, MeSH D009386, MONDO:0015356.
Pheochromocytoma. Also called: MAX-Related Hereditary Paraganglioma-Pheochromocytoma Syndrome. Identifiers: Orphanet 29072, MedGen C0031511, MONDO:0008233, OMIM 171300, HP:0002666.
Nonpapillary renal cell carcinoma. Identifiers: Orphanet 422526, MedGen CN074294, MONDO:0007763, OMIM 144700.

Submissions (4):

Labcorp Genetics (formerly Invitae), Labcorp
Classification: Pathogenic for Von Hippel-Lindau syndrome; Chuvash polycythemia. Last evaluated: 2025-03-26. Review status: criteria provided, single submitter. Criteria: Invitae Variant Classification Sherloc (09022015). Collection method: clinical testing. Allele origin: germline.
Comment: This sequence change replaces arginine, which is basic and polar, with glycine, which is neutral and non-polar, at codon 79 of the VHL protein (p.Arg79Gly). This variant is not present in population databases (gnomAD no frequency). This missense change has been observed in individuals with clinical features of von Hippel-Lindau syndrome and/or retinal hemangioblastoma (PMID: 33720516; internal data). ClinVar contains an entry for this variant (Variation ID: 411988). Invitae Evidence Modeling of protein sequence and biophysical properties (such as structural, functional, and spatial information, amino acid conservation, physicochemical variation, residue mobility, and thermodynamic stability) indicates that this missense variant is expected to disrupt VHL protein function with a positive predictive value of 95%. This variant disrupts the p.Arg79 amino acid residue in VHL. Other variant(s) that disrupt this residue have been observed in individuals with VHL-related conditions (PMID: 15642680, 24555745), which suggests that this may be a clinically significant amino acid residue. For these reasons, this variant has been classified as Pathogenic.

Ambry Genetics
Classification: Likely pathogenic for Hereditary cancer-predisposing syndrome. Last evaluated: 2025-03-24. Review status: criteria provided, single submitter. Criteria: Ambry Variant Classification Scheme 2023. Collection method: clinical testing. Allele origin: germline.
Comment: The p.R79G variant (also known as c.235C>G), located in coding exon 1 of the VHL gene, results from a C to G substitution at nucleotide position 235. The arginine at codon 79 is replaced by glycine, an amino acid with dissimilar properties. This variant was reported in individual(s) with features consistent with von Hippel-Lindau syndrome (Yonamine M et al. Cancers (Basel), 2021 Aug;13; Reich M et al. Acta Ophthalmol, 2021 Dec;99:e1492-e1500; Ambry internal data). This variant is considered to be rare based on population cohorts in the Genome Aggregation Database (gnomAD). This amino acid position is well conserved in available vertebrate species. In addition, this alteration is predicted to be deleterious by in silico analysis. Based on the majority of available evidence to date, this variant is likely to be pathogenic.

GeneDx
Classification: Uncertain significance. Last evaluated: 2023-07-03. Review status: criteria provided, single submitter. Criteria: GeneDx Variant Classification Process June 2021. Collection method: clinical testing. Allele origin: germline. Affected: yes.
Comment: Not observed at significant frequency in large population cohorts (gnomAD); In silico analysis supports that this missense variant has a deleterious effect on protein structure/function; Observed in an individual with retinal hemangioblastoma and in another individual with unspecified personal and family history of VHL-related cancers (Reich et al., 2021); This variant is associated with the following publications: (PMID: 33720516)

Fulgent Genetics
Classification: Uncertain significance for Nonpapillary renal cell carcinoma; Pheochromocytoma; Von Hippel-Lindau syndrome; Chuvash polycythemia. Last evaluated: 2022-02-07. Review status: criteria provided, single submitter. Criteria: ACMG Guidelines, 2015. Collection method: clinical testing. Allele origin: unknown.

Literature cited by the submitters: PubMed 33720516 (cited by Labcorp Genetics (formerly Invitae), Labcorp and Ambry Genetics); PubMed 15642680 (cited by Labcorp Genetics (formerly Invitae), Labcorp); PubMed 24555745 (cited by Labcorp Genetics (formerly Invitae), Labcorp); PubMed 34439168 (cited by Ambry Genetics); PubMed 38647646 (cited by Ambry Genetics).